The following is an entry in ClinVar:

ClinVar aggregate classification (germline): Likely benign (1 of 4 stars; one submission).

gnomAD v4.1: 3 of 1,608,748 alleles (0.00019%); highest among the groups gnomAD compares: Non-Finnish European, 0.00026%; no homozygotes.

Submission:

GeneDx
Classification: Likely benign. Last evaluated: 2017-01-31. Review status: criteria provided, single submitter. Criteria: GeneDx Variant Classification (06012015). Collection method: clinical testing. Allele origin: germline. Affected: yes.
Comment: This variant is considered likely benign or benign based on one or more of the following criteria: it is a conservative change, it occurs at a poorly conserved position in the protein, it is predicted to be benign by multiple in silico algorithms, and/or has population frequency not consistent with disease.

NM_000168.6(GLI3):c.3453C>T (p.Pro1151=)

Gene: GLI3 (GLI family zinc finger 3; minus strand). Cytogenetic location: 7p14.1.
Variant type: single nucleotide variant.
Coding change: c.3453C>T on transcript NM_000168.6 (MANE Select); coding-DNA position 3453, C replaced by T.
Protein change: p.Pro1151=; no amino-acid change (proline 1151 retained).
Molecular consequence: synonymous variant.
Genome position (GRCh38, 1-based): chr7:41,965,620, G>A on the plus strand (C>T on the coding strand, the complement: GLI3 is on the minus strand). VCF-style: chr7-41965620-G-A. GRCh37 (hg19) VCF-style: chr7-42005218-G-A.
Identifiers: ClinVar variation 507113 (VCV000507113.1), dbSNP rs749508811, ClinGen allele CA454661949.